The following is an entry in ClinVar:

NM_018139.3(DNAAF2):c.59T>A (p.Val20Asp)

Gene: DNAAF2 (dynein axonemal assembly factor 2; minus strand). Cytogenetic location: 14q21.3.
Variant type: single nucleotide variant.
Coding change: c.59T>A on transcript NM_018139.3 (MANE Select); coding-DNA position 59, T replaced by A.
Protein change: p.Val20Asp; replaces valine 20 with aspartic acid.
Molecular consequence: missense variant.
Genome position (GRCh38, 1-based): chr14:49,635,091, A>T on the plus strand (T>A on the coding strand, the complement: DNAAF2 is on the minus strand). VCF-style: chr14-49635091-A-T. GRCh37 (hg19) VCF-style: chr14-50101809-A-T.
Other names: c.59T>A, p.Val20Asp (NM_001083908.2); short protein forms V20D.
Identifiers: ClinVar variation 580461 (VCV000580461.1), dbSNP rs1566513874, ClinGen allele CA389632806.

ClinVar aggregate classification (germline): Uncertain significance (1 of 4 stars; one submission).

Conditions:
Primary ciliary dyskinesia. Also called: Ciliary dyskinesia. Identifiers: Orphanet 244, MedGen C0008780, MONDO:0016575, HP:0012265.

Allele frequency attached by ClinVar (database versions not stated): gnomAD exomes below 0.00001.

Submission:

Labcorp Genetics (formerly Invitae), Labcorp
Classification: Uncertain significance for Ciliary dyskinesia. Last evaluated: 2018-06-11. Review status: criteria provided, single submitter. Criteria: Invitae Variant Classification Sherloc (09022015). Collection method: clinical testing. Allele origin: germline.
Comment: This sequence change replaces valine with aspartic acid at codon 20 of the DNAAF2 protein (p.Val20Asp). The valine residue is moderately conserved and there is a large physicochemical difference between valine and aspartic acid. This variant is not present in population databases (ExAC no frequency). This variant has not been reported in the literature in individuals with DNAAF2-related disease. Algorithms developed to predict the effect of missense changes on protein structure and function are either unavailable or do not agree on the potential impact of this missense change (SIFT: "Deleterious"; PolyPhen-2: "Probably Damaging"; Align-GVGD: "Class C0"). In summary, the available evidence is currently insufficient to determine the role of this variant in disease. Therefore, it has been classified as a Variant of Uncertain Significance.